The following is an entry in ClinVar:

NM_001005273.3(CHD3):c.3909G>C (p.Glu1303Asp)

Gene: CHD3 (chromodomain helicase DNA binding protein 3; plus strand). Cytogenetic location: 17p13.1.
Variant type: single nucleotide variant.
Coding change: c.3909G>C on transcript NM_001005273.3 (MANE Select); coding-DNA position 3909, G replaced by C.
Protein change: p.Glu1303Asp; replaces glutamic acid 1303 with aspartic acid.
Molecular consequence: missense variant.
Genome position (GRCh38, 1-based): chr17:7,904,456, G>C. VCF-style: chr17-7904456-G-C. GRCh37 (hg19) VCF-style: chr17-7807774-G-C.
Other names: c.4086G>C, p.Glu1362Asp (NM_001005271.3); c.3909G>C, p.Glu1303Asp (NM_005852.4); short protein forms E1303D, E1362D.
Identifiers: ClinVar variation 1306197 (VCV001306197.2), dbSNP rs2151615191, ClinGen allele CA397944059.

ClinVar aggregate classification (germline): Uncertain significance (1 of 4 stars; one submission).

Submission:

GeneDx
Classification: Uncertain significance. Last evaluated: 2019-06-11. Review status: criteria provided, single submitter. Criteria: GeneDx Variant Classification Process June 2021. Collection method: clinical testing. Allele origin: germline. Affected: yes.
Comment: Has not been previously published as pathogenic or benign to our knowledge; Not observed in large population cohorts (Lek et al., 2016); In silico analysis, which includes protein predictors and evolutionary conservation, supports that this variant does not alter protein structure/function